The following is an entry in ClinVar:

ClinVar aggregate classification (germline): Conflicting classifications of pathogenicity. Review status: criteria provided, conflicting classifications (1 of 4 stars). 4 submissions from 4 submitters: Uncertain significance (2); Likely benign (1). 1 of the submissions does not count toward it. Last evaluated 2023-10-06.

Conditions:
PKD1-related disorder. Also called: PKD1-related condition.
Polycystic kidney disease, adult type (PKD1). Also called: Polycystic Kidney Disease 1, Autosomal Dominant; Polycystic kidney disease 1; Polycystic kidney disease 1, severe; Polycystic Kidney, Autosomal Dominant; POLYCYSTIC KIDNEY DISEASE 1 WITH OR WITHOUT POLYCYSTIC LIVER DISEASE; POLYCYSTIC KIDNEY DISEASE, ADULT, TYPE I. Identifiers: MedGen C3149841, MONDO:0008263, OMIM 173900.
Autosomal dominant polycystic kidney disease. Identifiers: Orphanet 730, MedGen C0085413, MONDO:0004691.

Allele frequency attached by ClinVar (database versions not stated): ESP Exome Variant Server 0.00008; TOPMed 0.00016; 1000 Genomes Project 30x 0.00031; 1000 Genomes Project 0.00040.
gnomAD v4.1: 206 of 1,607,448 alleles (0.013%); highest among the groups gnomAD compares: East Asian, 0.065%; no homozygotes.

Submissions (4):

Molecular Genetics, Royal Melbourne Hospital
Classification: Uncertain significance for Autosomal dominant polycystic kidney disease. Last evaluated: 2023-10-06. Review status: criteria provided, single submitter. Criteria: ACMG Guidelines, 2015. Collection method: clinical testing. Allele origin: germline. Inheritance: Autosomal dominant inheritance.

Department of Pathology and Laboratory Medicine, Sinai Health System
Classification: Likely benign for Polycystic kidney disease, adult type. Last evaluated: 2023-01-24. Review status: criteria provided, single submitter. Criteria: ACMG Guidelines, 2015. Collection method: clinical testing. Allele origin: germline. Affected: yes.

Johns Hopkins Genomics, Johns Hopkins University
Classification: Uncertain significance for Polycystic kidney disease, adult type. Last evaluated: 2020-07-24. Review status: criteria provided, single submitter. Criteria: ACMG Guidelines, 2015. Collection method: clinical testing. Allele origin: germline.
Comment: This PKD1 variant (rs202159463) is rare (<0.1%) in a large population dataset (gnomAD: 46/276838 total alleles; 0.017%; no homozygotes) and has not been reported in ClinVar nor the literature in association with ADPKD to our knowledge. Three bioinformatics tools queried predict that this substitution would be tolerated. The glutamic acid residue at this position is conserved across most mammals but at least three species have a lysine at this position. This variant is not predicted to affect normal exon 23 splicing, although this has not been confirmed experimentally to our knowledge. Due to insufficient evidence, we consider the clinical significance of c.8224G>A to be uncertain at this time.

PreventionGenetics, part of Exact Sciences
Classification: Likely benign for PKD1-related condition. Last evaluated: 2021-05-06. Review status: no assertion criteria provided. Collection method: clinical testing. Allele origin: germline. Not counted in ClinVar's aggregate classification.
Comment: This variant is classified as likely benign based on ACMG/AMP sequence variant interpretation guidelines (Richards et al. 2015 PMID: 25741868, with internal and published modifications).

Literature cited by the submitters: PubMed 27567292 (cited by Department of Pathology and Laboratory Medicine, Sinai Health System and Johns Hopkins Genomics, Johns Hopkins University); PubMed 17582161 (cited by Department of Pathology and Laboratory Medicine, Sinai Health System and Johns Hopkins Genomics, Johns Hopkins University).

NM_001009944.3(PKD1):c.8224G>A (p.Glu2742Lys)

Gene: PKD1 (polycystin 1, transient receptor potential channel interacting; minus strand). Cytogenetic location: 16p13.3.
Variant type: single nucleotide variant.
Coding change: c.8224G>A on transcript NM_001009944.3 (MANE Select); coding-DNA position 8224, G replaced by A.
Protein change: p.Glu2742Lys; replaces glutamic acid 2742 with lysine.
Molecular consequence: missense variant.
Genome position (GRCh38, 1-based): chr16:2,103,833, C>T on the plus strand (G>A on the coding strand, the complement: PKD1 is on the minus strand). VCF-style: chr16-2103833-C-T. GRCh37 (hg19) VCF-style: chr16-2153834-C-T.
Other names: c.8224G>A, p.Glu2742Lys (NM_000296.4); short protein forms E2742K.
Identifiers: ClinVar variation 977080 (VCV000977080.5), dbSNP rs202159463, ClinGen allele CA7830604.